The following is an entry in ClinVar:

NM_004655.4(AXIN2):c.1008A>C (p.Glu336Asp)

Gene: AXIN2 (axin 2; minus strand). Cytogenetic location: 17q24.1.
Variant type: single nucleotide variant.
Coding change: c.1008A>C on transcript NM_004655.4 (MANE Select); coding-DNA position 1008, A replaced by C.
Protein change: p.Glu336Asp; replaces glutamic acid 336 with aspartic acid.
Molecular consequence: missense variant.
Genome position (GRCh38, 1-based): chr17:65,541,506, T>G on the plus strand (A>C on the coding strand, the complement: AXIN2 is on the minus strand). VCF-style: chr17-65541506-T-G. GRCh37 (hg19) VCF-style: chr17-63537624-T-G.
Other names: c.1008A>C, p.Glu336Asp (NM_001363813.1); short protein forms E336D.
Identifiers: ClinVar variation 818255 (VCV000818255.5), dbSNP rs1598104258, ClinGen allele CA400679266.

ClinVar aggregate classification (germline): Uncertain significance. Review status: criteria provided, multiple submitters, no conflicts (2 of 4 stars). 2 submissions from 2 submitters: Uncertain significance (2). Last evaluated 2023-08-25.

Conditions:
Colorectal cancer. Also called: Malignant Colorectal Neoplasm; Colorectal cancer, somatic. Identifiers: MedGen C0346629, MONDO:0005575, OMIM 114500.
Hereditary cancer-predisposing syndrome. Also called: Tumor predisposition; Hereditary neoplastic syndrome; Neoplastic Syndromes, Hereditary; Hereditary Cancer Syndrome. Identifiers: Orphanet 140162, MedGen C0027672, MeSH D009386, MONDO:0015356.

Submissions (2):

Baylor Genetics
Classification: Uncertain significance for Colorectal cancer. Last evaluated: 2023-08-25. Review status: criteria provided, single submitter. Criteria: ACMG Guidelines, 2015. Collection method: clinical testing. Allele origin: unknown.

Ambry Genetics
Classification: Uncertain significance for Hereditary cancer-predisposing syndrome. Last evaluated: 2019-09-16. Review status: criteria provided, single submitter. Criteria: Ambry Variant Classification Scheme 2023. Collection method: clinical testing. Allele origin: germline.
Comment: The p.E336D variant (also known as c.1008A>C), located in coding exon 3 of the AXIN2 gene, results from an A to C substitution at nucleotide position 1008. The glutamic acid at codon 336 is replaced by aspartic acid, an amino acid with highly similar properties. This amino acid position is highly conserved in available vertebrate species. In addition, the in silico prediction for this alteration is inconclusive. Since supporting evidence is limited at this time, the clinical significance of this alteration remains unclear.